The following is an entry in ClinVar:

NM_173500.4(TTBK2):c.3443G>A (p.Arg1148His)

Gene: TTBK2 (tau tubulin kinase 2; minus strand). Cytogenetic location: 15q15.2.
Variant type: single nucleotide variant.
Coding change: c.3443G>A on transcript NM_173500.4 (MANE Select); coding-DNA position 3443, G replaced by A.
Protein change: p.Arg1148His; replaces arginine 1148 with histidine.
Molecular consequence: missense variant.
Genome position (GRCh38, 1-based): chr15:42,746,087, C>T on the plus strand (G>A on the coding strand, the complement: TTBK2 is on the minus strand). VCF-style: chr15-42746087-C-T. GRCh37 (hg19) VCF-style: chr15-43038285-C-T.
Other names: short protein forms R1148H.
Identifiers: ClinVar variation 1256338 (VCV001256338.7), dbSNP rs199594294, ClinGen allele CA7516572.

ClinVar aggregate classification (germline): Uncertain significance. Review status: criteria provided, multiple submitters, no conflicts (2 of 4 stars). 3 submissions from 3 submitters: Uncertain significance (3). Last evaluated 2025-04-13.

Conditions:
Inborn genetic diseases. Identifiers: MedGen C0950123, MeSH D030342.

Allele frequency attached by ClinVar (database versions not stated): ExAC 0.00002; gnomAD exomes 0.00003; gnomAD 0.00005 and 0.00006; TOPMed 0.00006.
gnomAD v4.1: 56 of 1,613,886 alleles (0.0035%); highest among the groups gnomAD compares: Admixed American, 0.015%; no homozygotes.

Submissions (3):

Ambry Genetics
Classification: Uncertain significance for Inborn genetic diseases. Last evaluated: 2025-04-13. Review status: criteria provided, single submitter. Criteria: Ambry Variant Classification Scheme 2023. Collection method: clinical testing. Allele origin: germline.

Labcorp Genetics (formerly Invitae), Labcorp
Classification: Uncertain significance. Last evaluated: 2023-07-21. Review status: criteria provided, single submitter. Criteria: Invitae Variant Classification Sherloc (09022015). Collection method: clinical testing. Allele origin: germline.
Comment: This sequence change replaces arginine, which is basic and polar, with histidine, which is basic and polar, at codon 1148 of the TTBK2 protein (p.Arg1148His). This variant is present in population databases (rs199594294, gnomAD 0.02%). This variant has not been reported in the literature in individuals affected with TTBK2-related conditions. ClinVar contains an entry for this variant (Variation ID: 1256338). Algorithms developed to predict the effect of missense changes on protein structure and function output the following: SIFT: "Not Available"; PolyPhen-2: "Benign"; Align-GVGD: "Not Available". The histidine amino acid residue is found in multiple mammalian species, which suggests that this missense change does not adversely affect protein function. In summary, the available evidence is currently insufficient to determine the role of this variant in disease. Therefore, it has been classified as a Variant of Uncertain Significance.

Athena Diagnostics
Classification: Uncertain significance. Last evaluated: 2020-11-02. Review status: criteria provided, single submitter. Criteria: Athena Diagnostics criteria. Collection method: clinical testing. Allele origin: unknown.